The following is an entry in ClinVar:

NM_001042492.3(NF1):c.73A>C (p.Thr25Pro)

Gene: NF1 (neurofibromin 1; plus strand). Cytogenetic location: 17q11.2.
Variant type: single nucleotide variant.
Coding change: c.73A>C on transcript NM_001042492.3 (MANE Select); coding-DNA position 73, A replaced by C.
Protein change: p.Thr25Pro; replaces threonine 25 with proline.
Molecular consequence: missense variant.
Genome position (GRCh38, 1-based): chr17:31,155,995, A>C. VCF-style: chr17-31155995-A-C. GRCh37 (hg19) VCF-style: chr17-29483013-A-C.
Other names: c.73A>C, p.Thr25Pro (NM_000267.4, NM_001128147.3); short protein forms T25P.
Identifiers: ClinVar variation 4860977 (VCV004860977.1).
Genomic context (GRCh38, chr17:31,155,995, plus strand): 5'-TTTTTAAGGATAAGCTGTTAACGTGTTTTTTTTTTCTTTTTTTTTCAGCTTCCAATAAAA[A>C]CAGGACAGCAGAACACACATACCAAAGTCAGTACTGAGCACAACAAGGAATGTCTAATCA-3'
Protein context (NP_001035957.1, residues 15-35): SRFDEQLPIK[Thr25Pro]GQQNTHTKVS

ClinVar aggregate classification (germline): Uncertain significance (1 of 4 stars; one submission).

Conditions:
Cardiovascular phenotype. Identifiers: MedGen CN230736.
Hereditary cancer-predisposing syndrome. Also called: Neoplastic Syndromes, Hereditary; Tumor predisposition; Hereditary Cancer Syndrome; Hereditary neoplastic syndrome. Identifiers: Orphanet 140162, MedGen C0027672, MeSH D009386, MONDO:0015356.

Submission:

Ambry Genetics
Classification: Uncertain significance for Cardiovascular phenotype; Hereditary cancer-predisposing syndrome. Last evaluated: 2026-05-27. Review status: criteria provided, single submitter. Criteria: Ambry Variant Classification Scheme 2023. Collection method: clinical testing. Allele origin: germline.
Comment: The p.T25P variant (also known as c.73A>C), located in coding exon 2 of the NF1 gene, results from an A to C substitution at nucleotide position 73. The threonine at codon 25 is replaced by proline, an amino acid with highly similar properties. This amino acid position is conserved. In addition, this alteration is predicted to be tolerated by in silico analysis. Based on the available evidence, the clinical significance of this variant remains unclear.